The following is an entry in ClinVar:

ClinVar aggregate classification (germline): Uncertain significance (1 of 4 stars; one submission).

Conditions:
Charcot-Marie-Tooth disease type 4. Also called: Charcot-Marie-Tooth disease, type IV; Charcot-Marie-Tooth, Type 4. Identifiers: Orphanet 64749, MedGen C4082197, MONDO:0018995.

Allele frequency attached by ClinVar (database versions not stated): TOPMed 0.00001.

Submission:

Labcorp Genetics (formerly Invitae), Labcorp
Classification: Uncertain significance for Charcot-Marie-Tooth disease type 4. Last evaluated: 2022-08-21. Review status: criteria provided, single submitter. Criteria: Invitae Variant Classification Sherloc (09022015). Collection method: clinical testing. Allele origin: germline.
Comment: In summary, the available evidence is currently insufficient to determine the role of this variant in disease. Therefore, it has been classified as a Variant of Uncertain Significance. Algorithms developed to predict the effect of missense changes on protein structure and function are either unavailable or do not agree on the potential impact of this missense change (SIFT: "Deleterious"; PolyPhen-2: "Probably Damaging"; Align-GVGD: "Class C0"). This variant has not been reported in the literature in individuals affected with PRX-related conditions. This variant is present in population databases (no rsID available, gnomAD 0.0009%). This sequence change replaces glycine, which is neutral and non-polar, with valine, which is neutral and non-polar, at codon 937 of the PRX protein (p.Gly937Val).

NM_181882.3(PRX):c.2810G>T (p.Gly937Val)

Gene: PRX (periaxin; minus strand). Cytogenetic location: 19q13.2.
Variant type: single nucleotide variant.
Coding change: c.2810G>T on transcript NM_181882.3 (MANE Select); coding-DNA position 2810, G replaced by T.
Protein change: p.Gly937Val; replaces glycine 937 with valine.
Molecular consequence: missense variant. On other transcripts: 3 prime UTR variant (1).
Genome position (GRCh38, 1-based): chr19:40,395,542, C>A on the plus strand (G>T on the coding strand, the complement: PRX is on the minus strand). VCF-style: chr19-40395542-C-A. GRCh37 (hg19) VCF-style: chr19-40901449-C-A.
Other names: c.3095G>T, p.Gly1032Val (NM_001411127.1); c.*3015G>T (NM_020956.2); short protein forms G937V, G1032V.
Identifiers: ClinVar variation 2168242 (VCV002168242.2), dbSNP rs968818827, ClinGen allele CA308417756.